The following is an entry in ClinVar:

ClinVar aggregate classification (germline): Likely benign. Review status: criteria provided, multiple submitters, no conflicts (2 of 4 stars). 6 submissions from 6 submitters: Likely benign (6). Last evaluated 2025-10-07.

Conditions:
Cardiovascular phenotype. Identifiers: MedGen CN230736.
Arrhythmogenic right ventricular dysplasia 8 (ARVD8). Also called: ARRHYTHMOGENIC RIGHT VENTRICULAR DYSPLASIA, FAMILIAL, 8; ARRHYTHMOGENIC RIGHT VENTRICULAR CARDIOMYOPATHY 8; Arrhythmogenic Right Ventricular Dysplasia/Cardiomyopathy 8. Identifiers: MedGen C1843896, MONDO:0011831, OMIM 607450.
Arrhythmogenic cardiomyopathy with wooly hair and keratoderma. Also called: Arrhythmogenic cardiomyopathy with woolly hair and keratoderma; PALMOPLANTAR KERATODERMA WITH LEFT VENTRICULAR CARDIOMYOPATHY AND WOOLLY HAIR; Dilated cardiomyopathy with woolly hair and keratoderma; Carvajal syndrome. Identifiers: Orphanet 65282, MedGen C1854063, MONDO:0011581, OMIM 605676.
Cardiomyopathy (CMYO). Also called: Cardiomyopathies. Identifiers: Orphanet 167848, MedGen C0878544, MONDO:0004994, HP:0001638. Inheritance: Various modes of inheritance.

Allele frequency attached by ClinVar (database versions not stated): 1000 Genomes Project 30x 0.00016; gnomAD exomes 0.00017; 1000 Genomes Project 0.00020; ExAC 0.00021.
gnomAD v4.1: 131 of 1,614,140 alleles (0.0081%); highest among the groups gnomAD compares: South Asian, 0.14%; 1 homozygote.

Submissions (6):

Labcorp Genetics (formerly Invitae), Labcorp
Classification: Likely benign for Arrhythmogenic cardiomyopathy with wooly hair and keratoderma; Arrhythmogenic right ventricular dysplasia 8. Last evaluated: 2025-10-07. Review status: criteria provided, single submitter. Criteria: Invitae Variant Classification Sherloc (09022015). Collection method: clinical testing. Allele origin: germline.

All of Us Research Program, National Institutes of Health
Classification: Likely benign for Arrhythmogenic cardiomyopathy with wooly hair and keratoderma. Last evaluated: 2024-04-16. Review status: criteria provided, single submitter. Criteria: ACMG Guidelines, 2015. Collection method: clinical testing. Allele origin: germline. Inheritance: Autosomal dominant inheritance. Observed: 1 variant allele, 1 heterozygote.
Comment: This study involves interpretation of variants in research participants for the purpose of population health screening. Participant phenotype was not available at the time of variant classification. Additional details can be found in publication PMID: 35346344, PMCID: PMC8962531

Ambry Genetics
Classification: Likely benign for Cardiovascular phenotype. Last evaluated: 2021-02-19. Review status: criteria provided, single submitter. Criteria: Ambry Variant Classification Scheme 2023. Collection method: clinical testing. Allele origin: germline.

GeneDx
Classification: Likely benign. Last evaluated: 2020-02-28. Review status: criteria provided, single submitter. Criteria: GeneDx Variant Classification Process June 2021. Collection method: clinical testing. Allele origin: germline. Affected: yes.
Comment: See Variant Classification Assertion Criteria.

Color Diagnostics, LLC DBA Color Health
Classification: Likely benign for Cardiomyopathy. Last evaluated: 2018-10-30. Review status: criteria provided, single submitter. Criteria: ACMG Guidelines, 2015. Collection method: clinical testing. Allele origin: germline.

Laboratory for Molecular Medicine, Mass General Brigham Personalized Medicine
Classification: Likely benign. Last evaluated: 2014-11-20. Review status: criteria provided, single submitter. Criteria: LMM Criteria. Collection method: clinical testing. Allele origin: germline. Observed: 1 variant allele.
Comment: p.Asn1051Asn in exon 23 of DSP: This variant is not expected to have clinical si gnificance because it does not alter an amino acid residue and is not located wi thin the splice consensus sequence. It has been identified in 0.1% (25/16590) of South Asian chromosomes by the Exome Aggregation Consortium (ExAC.).

NM_004415.4(DSP):c.3153C>T (p.Asn1051=)

Gene: DSP (desmoplakin; plus strand). Cytogenetic location: 6p24.3.
Variant type: single nucleotide variant.
Coding change: c.3153C>T on transcript NM_004415.4 (MANE Select); coding-DNA position 3153, C replaced by T.
Protein change: p.Asn1051=; no amino-acid change (asparagine 1051 retained).
Molecular consequence: synonymous variant.
Genome position (GRCh38, 1-based): chr6:7,579,343, C>T. VCF-style: chr6-7579343-C-T. GRCh37 (hg19) VCF-style: chr6-7579576-C-T.
Other names: c.3153C>T, p.Asn1051= (NM_001008844.3, NM_001319034.2).
Identifiers: ClinVar variation 163261 (VCV000163261.17), dbSNP rs563387839, ClinGen allele CA005756.